The following is an entry in ClinVar:

NM_001370466.1(NOD2):c.802G>A (p.Val268Met)

Gene: NOD2 (nucleotide binding oligomerization domain containing 2; plus strand). Cytogenetic location: 16q12.1.
Variant type: single nucleotide variant.
Coding change: c.802G>A on transcript NM_001370466.1 (MANE Select); coding-DNA position 802, G replaced by A.
Protein change: p.Val268Met; replaces valine 268 with methionine.
Molecular consequence: missense variant. On other transcripts: non-coding transcript variant (1).
Genome position (GRCh38, 1-based): chr16:50,710,794, G>A. VCF-style: chr16-50710794-G-A. GRCh37 (hg19) VCF-style: chr16-50744705-G-A.
Other names: c.802G>A, p.Val268Met (NM_001293557.2); c.883G>A, p.Val295Met (NM_022162.3); short protein forms V268M, V295M.
Identifiers: ClinVar variation 2145272 (VCV002145272.5), dbSNP rs778114969, ClinGen allele CA8051418.
Genomic context (GRCh38, chr16:50,710,794, plus strand): 5'-ACCCTGGGCCTGGAGGAGCTCTTCAGCACCCCTGGCCACCTCAATGACGATGCGGACACT[G>A]TGCTGGTGGTGGGTGAGGCGGGCAGTGGCAAGAGCACGCTCCTGCAGCGGCTGCACTTGC-3'
Protein context (NP_001357395.1, residues 258-278): PGHLNDDADT[Val268Met]LVVGEAGSGK

ClinVar aggregate classification (germline): Uncertain significance. Review status: criteria provided, multiple submitters, no conflicts (2 of 4 stars). 2 submissions from 2 submitters: Uncertain significance (2). Last evaluated 2022-05-30.

Conditions:
Blau syndrome (BLAUS). Also called: GRANULOMATOSIS, FAMILIAL JUVENILE SYSTEMIC; GRANULOMATOSIS, FAMILIAL, BLAU TYPE; GRANULOMATOUS INFLAMMATORY ARTHRITIS, DERMATITIS, AND UVEITIS, FAMILIAL; JABS SYNDROME; ARTHROCUTANEOUVEAL GRANULOMATOSIS. Identifiers: Orphanet 90340, MedGen C5201146, MONDO:0008523, OMIM 186580.
Regional enteritis. Also called: Enteritis, Granulomatous. Identifiers: MedGen C0678202, MeSH D003424.

Allele frequency attached by ClinVar (database versions not stated): gnomAD exomes below 0.00001; ExAC 0.00001; gnomAD 0.00001; TOPMed 0.00001.
gnomAD v4.1: 6 of 1,614,052 alleles (0.00037%); highest among the groups gnomAD compares: African/African-American, 0.0067%; no homozygotes.

Submissions (2):

Labcorp Genetics (formerly Invitae), Labcorp
Classification: Uncertain significance for Regional enteritis; Blau syndrome. Last evaluated: 2022-05-30. Review status: criteria provided, single submitter. Criteria: Invitae Variant Classification Sherloc (09022015). Collection method: clinical testing. Allele origin: germline.
Comment: This sequence change replaces valine, which is neutral and non-polar, with methionine, which is neutral and non-polar, at codon 295 of the NOD2 protein (p.Val295Met). This variant is present in population databases (rs778114969, gnomAD 0.007%). This variant has not been reported in the literature in individuals affected with NOD2-related conditions. Advanced modeling of protein sequence and biophysical properties (such as structural, functional, and spatial information, amino acid conservation, physicochemical variation, residue mobility, and thermodynamic stability) performed at Invitae indicates that this missense variant is not expected to disrupt NOD2 protein function. Experimental studies have shown that this missense change does not substantially affect NOD2 function (PMID: 15044951). In summary, the available evidence is currently insufficient to determine the role of this variant in disease. Therefore, it has been classified as a Variant of Uncertain Significance.

Blueprint Genetics
Classification: Uncertain significance. Last evaluated: 2018-08-21. Review status: criteria provided, single submitter. Criteria: ACMG Guidelines, 2015. Collection method: clinical testing. Allele origin: germline.

Literature cited by the submitters: PubMed 15044951 (cited by Labcorp Genetics (formerly Invitae), Labcorp).